The following is an entry in ClinVar:

NM_000371.4(TTR):c.148G>C (p.Val50Leu)

Gene: TTR (transthyretin; plus strand). Cytogenetic location: 18q12.1.
Variant type: single nucleotide variant.
Coding change: c.148G>C on transcript NM_000371.4 (MANE Select); coding-DNA position 148, G replaced by C.
Protein change: p.Val50Leu; replaces valine 50 with leucine.
Molecular consequence: missense variant.
Genome position (GRCh38, 1-based): chr18:31,592,974, G>C. VCF-style: chr18-31592974-G-C. GRCh37 (hg19) VCF-style: chr18-29172937-G-C.
Other names: V30L; short protein forms V50L.
Identifiers: ClinVar variation 13440 (VCV000013440.10), dbSNP rs28933979, ClinGen allele CA256825.

ClinVar aggregate classification (germline): Pathogenic. Review status: criteria provided, multiple submitters, no conflicts (2 of 4 stars). 4 submissions from 4 submitters: Pathogenic (3). 1 of the submissions does not count toward it. Last evaluated 2021-09-05.

Conditions:
Cardiovascular phenotype. Identifiers: MedGen CN230736.
Charcot-Marie-Tooth disease. Also called: Charcot-Marie-Tooth Neuropathy; Charcot-Marie-Tooth Hereditary Neuropathy. Identifiers: Orphanet 166, MedGen C0007959, MONDO:0015626.
Amyloidosis, hereditary systemic 1 (AMYLD1). Also called: Transthyretin Amyloidosis; Hereditary Transthyretin Amyloidosis; Isolated Cardiac Amyloidosis; Amyloid Cardiomyopathy, Transthyretin-related; Familial amyloid polyneuropathy; Hereditary oculoleptomeningeal amyloid angiopathy. Identifiers: Orphanet 85447, Orphanet 85451, MedGen C2751492, MONDO:0971004, OMIM 105210.

Submissions (4):

Labcorp Genetics (formerly Invitae), Labcorp
Classification: Pathogenic for Amyloidosis, hereditary systemic 1. Last evaluated: 2021-09-05. Review status: criteria provided, single submitter. Criteria: Invitae Variant Classification Sherloc (09022015). Collection method: clinical testing. Allele origin: germline.
Comment: For these reasons, this variant has been classified as Pathogenic. This variant disrupts the p.Val50 amino acid residue in TTR. Other variant(s) that disrupt this residue have been determined to be pathogenic (PMID: 1544214, 22620962, 23523753, 23833285, 24555660, 26521788). This suggests that this residue is clinically significant, and that variants that disrupt this residue are likely to be disease-causing. Advanced modeling of protein sequence and biophysical properties (such as structural, functional, and spatial information, amino acid conservation, physicochemical variation, residue mobility, and thermodynamic stability) performed at Invitae indicates that this missense variant is expected to disrupt TTR protein function. ClinVar contains an entry for this variant (Variation ID: 13440). This variant is also known as Val30Leu. This missense change has been observed in individual(s) with hereditary transthyretin-mediated amyloidosis (hATTR amyloidosis) (PMID: 1520326). This variant is not present in population databases (ExAC no frequency). This sequence change replaces valine with leucine at codon 50 of the TTR protein (p.Val50Leu). The valine residue is highly conserved and there is a small physicochemical difference between valine and leucine.

Ambry Genetics
Classification: Pathogenic for Cardiovascular phenotype. Last evaluated: 2019-09-17. Review status: criteria provided, single submitter. Criteria: Ambry Variant Classification Scheme 2023. Collection method: clinical testing. Allele origin: germline.
Comment: The p.V50L pathogenic mutation (also known as c.148G>C and V30L), located in coding exon 2 of the TTR gene, results from a G to C substitution at nucleotide position 148. The valine at codon 50 is replaced by leucine, an amino acid with highly similar properties.The p.V50L mutation (c.148G>C and c.148G>T) has been reported in multiple individuals with TTR amyloidosis (Utsugisawa K et al. Muscle Nerve, 1998 Dec;21:1783-5; Mitsuhashi S et al. Amyloid, 2005 Dec;12:216-25; Suhr OB et al. Amyloid, 2009 Dec;16:208-14; Nakagawa M et al. Amyloid, 2013 Jun;20:138-40), and was identified in two distant affected relatives in a large family with incomplete penetrance (Chen H et al. Sci Rep, 2016 05;6:26362). This variant was not reported in the gnomAD database, with coverage at this position. A disease-causing mutation, p.V50M, has been described in the same codon (Soares ML et al. Eur. J. Hum. Genet., 2004 Mar;12:225-377). Based on the supporting evidence, this alteration is interpreted as a disease-causing mutation.

Molecular Genetics Laboratory, London Health Sciences Centre
Classification: Pathogenic for Charcot-Marie-Tooth disease. Review status: criteria provided, single submitter. Criteria: ACMG Guidelines, 2015. Collection method: clinical testing. Allele origin: germline. Affected: yes.

OMIM
Classification: Pathogenic for AMYLOIDOSIS, HEREDITARY SYSTEMIC 1. Last evaluated: 1998-12-01. Review status: no assertion criteria provided. Collection method: literature only. Allele origin: germline. Not counted in ClinVar's aggregate classification.

Literature cited by the submitters: PubMed 1544214 (cited by Labcorp Genetics (formerly Invitae), Labcorp); PubMed 22620962 (cited by Labcorp Genetics (formerly Invitae), Labcorp); PubMed 23523753 (cited by Labcorp Genetics (formerly Invitae), Labcorp); PubMed 23833285 (cited by Labcorp Genetics (formerly Invitae), Labcorp); PubMed 24555660 (cited by Labcorp Genetics (formerly Invitae), Labcorp); PubMed 26521788 (cited by Labcorp Genetics (formerly Invitae), Labcorp); PubMed 1520326 (cited by Labcorp Genetics (formerly Invitae), Labcorp and OMIM); PubMed 16399646 (cited by Ambry Genetics); PubMed 19922332 (cited by Ambry Genetics); PubMed 23638696 (cited by Ambry Genetics); PubMed 27212199 (cited by Ambry Genetics); PubMed 9843084 (cited by Ambry Genetics and OMIM).